The following is an entry in ClinVar:

NM_014159.7(SETD2):c.6176G>A (p.Arg2059Lys)

Gene: SETD2 (SET domain containing 2, histone lysine methyltransferase; minus strand). Cytogenetic location: 3p21.31.
Variant type: single nucleotide variant.
Coding change: c.6176G>A on transcript NM_014159.7 (MANE Select); coding-DNA position 6176, G replaced by A.
Protein change: p.Arg2059Lys; replaces arginine 2059 with lysine.
Molecular consequence: missense variant. On other transcripts: non-coding transcript variant (1).
Genome position (GRCh38, 1-based): chr3:47,062,280, C>T on the plus strand (G>A on the coding strand, the complement: SETD2 is on the minus strand). VCF-style: chr3-47062280-C-T. GRCh37 (hg19) VCF-style: chr3-47103770-C-T.
Other names: c.6044G>A, p.Arg2015Lys (NM_001349370.3); short protein forms R2059K, R2015K.
Identifiers: ClinVar variation 2112616 (VCV002112616.4), dbSNP rs2107589536, ClinGen allele CA352524850.

ClinVar aggregate classification (germline): Uncertain significance (1 of 4 stars; one submission).

Conditions:
Luscan-Lumish syndrome. Identifiers: Orphanet 597738, MedGen C4085873, MONDO:0014791, OMIM 616831.

Submission:

Labcorp Genetics (formerly Invitae), Labcorp
Classification: Uncertain significance for Luscan-Lumish syndrome. Last evaluated: 2022-03-15. Review status: criteria provided, single submitter. Criteria: Invitae Variant Classification Sherloc (09022015). Collection method: clinical testing. Allele origin: germline.
Comment: This variant is not present in population databases (gnomAD no frequency). This sequence change replaces arginine, which is basic and polar, with lysine, which is basic and polar, at codon 2059 of the SETD2 protein (p.Arg2059Lys). This variant has not been reported in the literature in individuals affected with SETD2-related conditions. Algorithms developed to predict the effect of missense changes on protein structure and function (SIFT, PolyPhen-2, Align-GVGD) all suggest that this variant is likely to be tolerated. In summary, the available evidence is currently insufficient to determine the role of this variant in disease. Therefore, it has been classified as a Variant of Uncertain Significance.